The following is an entry in ClinVar:

ClinVar aggregate classification (germline): Uncertain significance. Review status: criteria provided, multiple submitters, no conflicts (2 of 4 stars). 2 submissions from 2 submitters: Uncertain significance (2). Last evaluated 2024-11-11.

Conditions:
Microcephaly, normal intelligence and immunodeficiency (NBS). Also called: BERLIN BREAKAGE SYNDROME; SEEMANOVA SYNDROME II; Ataxia telangiectasia variant V1; IMMUNODEFICIENCY, MICROCEPHALY, AND CHROMOSOMAL INSTABILITY; Immunodeficiency, microcephaly with normal intelligence; Nijmegen breakage syndrome. Identifiers: Orphanet 647, MedGen C0398791, MONDO:0009623, OMIM 251260.
Hereditary cancer-predisposing syndrome. Also called: Hereditary neoplastic syndrome; Tumor predisposition; Hereditary Cancer Syndrome; Neoplastic Syndromes, Hereditary. Identifiers: Orphanet 140162, MedGen C0027672, MeSH D009386, MONDO:0015356.

Submissions (2):

Ambry Genetics
Classification: Uncertain significance for Hereditary cancer-predisposing syndrome. Last evaluated: 2024-11-11. Review status: criteria provided, single submitter. Criteria: Ambry Variant Classification Scheme 2023. Collection method: clinical testing. Allele origin: germline.
Comment: The p.K652E variant (also known as c.1954A>G), located in coding exon 13 of the NBN gene, results from an A to G substitution at nucleotide position 1954. The lysine at codon 652 is replaced by glutamic acid, an amino acid with similar properties. This amino acid position is conserved. In addition, this alteration is predicted to be tolerated by in silico analysis. Since supporting evidence is limited at this time, the clinical significance of this alteration remains unclear.

Labcorp Genetics (formerly Invitae), Labcorp
Classification: Uncertain significance for Microcephaly, normal intelligence and immunodeficiency. Last evaluated: 2021-09-29. Review status: criteria provided, single submitter. Criteria: Invitae Variant Classification Sherloc (09022015). Collection method: clinical testing. Allele origin: germline.
Comment: This sequence change replaces lysine with glutamic acid at codon 652 of the NBN protein (p.Lys652Glu). The lysine residue is weakly conserved and there is a small physicochemical difference between lysine and glutamic acid. This variant is present in population databases (rs780360772, ExAC 0.006%). This variant has not been reported in the literature in individuals affected with NBN-related conditions. Algorithms developed to predict the effect of missense changes on protein structure and function (SIFT, PolyPhen-2, Align-GVGD) all suggest that this variant is likely to be tolerated. In summary, the available evidence is currently insufficient to determine the role of this variant in disease. Therefore, it has been classified as a Variant of Uncertain Significance.

NM_002485.5(NBN):c.1954A>G (p.Lys652Glu)

Gene: NBN (nibrin; minus strand). Cytogenetic location: 8q21.3.
Variant type: single nucleotide variant.
Coding change: c.1954A>G on transcript NM_002485.5 (MANE Select); coding-DNA position 1954, A replaced by G.
Protein change: p.Lys652Glu; replaces lysine 652 with glutamic acid.
Molecular consequence: missense variant.
Genome position (GRCh38, 1-based): chr8:89,946,256, T>C on the plus strand (A>G on the coding strand, the complement: NBN is on the minus strand). VCF-style: chr8-89946256-T-C. GRCh37 (hg19) VCF-style: chr8-90958484-T-C.
Other names: c.1708A>G, p.Lys570Glu (NM_001024688.3); short protein forms K652E, K570E.
Identifiers: ClinVar variation 580207 (VCV000580207.7), dbSNP rs780360772, ClinGen allele CA4802637.